The following is an entry in ClinVar:

ClinVar aggregate classification (germline): Benign (1 of 4 stars; one submission).

Allele frequency attached by ClinVar (database versions not stated): gnomAD 0.01500 and 0.01605; 1000 Genomes Project 30x 0.01624; TOPMed 0.01660; 1000 Genomes Project 0.02296.

Submission:

GeneDx
Classification: Benign. Last evaluated: 2018-06-18. Review status: criteria provided, single submitter. Criteria: GeneDx Variant Classification (06012015). Collection method: clinical testing. Allele origin: germline. Affected: yes.
Comment: This variant is considered likely benign or benign based on one or more of the following criteria: it is a conservative change, it occurs at a poorly conserved position in the protein, it is predicted to be benign by multiple in silico algorithms, and/or has population frequency not consistent with disease.

NM_000051.4(ATM):c.332-158del

Gene: ATM (ATM serine/threonine kinase; plus strand). Cytogenetic location: 11q22.3.
Variant type: Deletion.
Coding change: c.332-158del on transcript NM_000051.4 (MANE Select); 158 bases into the intron before coding-DNA position 332, one base deleted (T; older notation c.332-158delT).
Molecular consequence: intron variant.
Genome position (GRCh38, 1-based): chr11:108,235,512, T deleted. VCF-style (leftmost placement, unchanged base first): chr11-108235511-AT-A. GRCh37 (hg19) VCF-style: chr11-108106238-AT-A.
Other names: c.332-158del (NM_001351834.2); c.332-158delT (NM_000051.3).
Identifiers: ClinVar variation 678074 (VCV000678074.1), dbSNP rs199858304, ClinGen allele CA228374518.
Genomic context (GRCh38, chr11:108,235,511, plus strand): 5'-TAAGTAAATGAATGGTTGTGACTATGTTCCAATAAAATGTTATTTGCAAAGAAAAAAAAA[AT>A]GAATTTTGCTTGGGGCCATAATTTGCCAATTTCTTCTCTACAAAAGAAGTTTAGTTAATA-3'